The following is an entry in ClinVar:

ClinVar aggregate classification (germline): Uncertain significance (1 of 4 stars; one submission).

Allele frequency attached by ClinVar (database versions not stated): gnomAD exomes below 0.00001; ExAC 0.00002.
gnomAD v4.1: 5 of 1,612,742 alleles (0.00031%); highest among the groups gnomAD compares: South Asian, 0.0011%; no homozygotes.

Submissions (2):

Labcorp Genetics (formerly Invitae), Labcorp
Classification: Uncertain significance. Last evaluated: 2023-06-29. Review status: criteria provided, single submitter. Criteria: Invitae Variant Classification Sherloc (09022015). Collection method: clinical testing. Allele origin: germline.
Comment: In summary, the available evidence is currently insufficient to determine the role of this variant in disease. Therefore, it has been classified as a Variant of Uncertain Significance. Experimental studies have shown that this missense change does not substantially affect SCN3A function (PMID: 32515017). Advanced modeling of protein sequence and biophysical properties (such as structural, functional, and spatial information, amino acid conservation, physicochemical variation, residue mobility, and thermodynamic stability) performed at Invitae indicates that this missense variant is expected to disrupt SCN3A protein function. This missense change has been observed in individual(s) with clinical features of SCN3A-related conditions (PMID: 32515017). This variant is present in population databases (rs751582800, gnomAD 0.006%). This sequence change replaces valine, which is neutral and non-polar, with isoleucine, which is neutral and non-polar, at codon 1280 of the SCN3A protein (p.Val1280Ile).

Channelopathy-Associated Epilepsy Research Center
No classification provided (evidence only). Condition: Developmental and epileptic encephalopathy. Review status: no classification provided. Collection method: literature only. Allele origin: not applicable. Functional consequence: Normal peak current, Normal slope of activation, Normal slope of fast inactivation, Normal voltage dependence of activation, Normal voltage dependence of fast inactivation, Normal fast inactivation, Normal persistent current, Overall normal function. Not counted in ClinVar's aggregate classification.
ClinVar note: "not provided" was previously submitted as the classification for the variant. However, the classification appeared to be based only on an observation of functional data so it was converted to no classification on 2025-07-30.

Literature cited by the submitters: PubMed 32515017 (cited by Labcorp Genetics (formerly Invitae), Labcorp and Channelopathy-Associated Epilepsy Research Center).

NM_006922.4(SCN3A):c.3838G>A (p.Val1280Ile)

Gene: SCN3A (sodium voltage-gated channel alpha subunit 3; minus strand). Cytogenetic location: 2q24.3.
Variant type: single nucleotide variant.
Coding change: c.3838G>A on transcript NM_006922.4 (MANE Select); coding-DNA position 3838, G replaced by A.
Protein change: p.Val1280Ile; replaces valine 1280 with isoleucine.
Molecular consequence: missense variant.
Genome position (GRCh38, 1-based): chr2:165,112,890, C>T on the plus strand (G>A on the coding strand, the complement: SCN3A is on the minus strand). VCF-style: chr2-165112890-C-T. GRCh37 (hg19) VCF-style: chr2-165969400-C-T.
Other names: c.3691G>A, p.Val1231Ile (NM_001081676.2, NM_001081677.2); short protein forms V1231I, V1280I.
Identifiers: ClinVar variation 2709034 (VCV002709034.5), dbSNP rs751582800, ClinGen allele CA1938714.